The following is an entry in ClinVar:

ClinVar aggregate classification (germline): Likely benign (1 of 4 stars; one submission).

Conditions:
SH2B1-related disorder. Also called: SH2B1-related condition.

gnomAD v4.1: 3 of 1,612,920 alleles (0.00019%); highest among the groups gnomAD compares: Admixed American, 0.0017%; no homozygotes.

Submission:

PreventionGenetics, part of Exact Sciences
Classification: Likely benign for SH2B1-related condition. Last evaluated: 2024-12-18. Review status: criteria provided, single submitter. Criteria: ACMG Guidelines, 2015. Collection method: clinical testing. Allele origin: germline.
Comment: This variant is classified as likely benign based on ACMG/AMP sequence variant interpretation guidelines (Richards et al. 2015 PMID: 25741868, with internal and published modifications).

NM_001387430.1(SH2B1):c.252T>C (p.Ser84=)

Gene: SH2B1 (SH2B adaptor protein 1; plus strand). Cytogenetic location: 16p11.2.
Variant type: single nucleotide variant.
Coding change: c.252T>C on transcript NM_001387430.1 (MANE Select); coding-DNA position 252, T replaced by C.
Protein change: p.Ser84=; no amino-acid change (serine 84 retained).
Molecular consequence: synonymous variant. On other transcripts: intron variant (1).
Genome position (GRCh38, 1-based): chr16:28,866,346, T>C. VCF-style: chr16-28866346-T-C. GRCh37 (hg19) VCF-style: chr16-28877667-T-C.
Other names: c.252T>C, p.Ser84= (NM_001145795.2, NM_001145796.2, NM_001145797.2 and 4 more transcripts); c.-26-1028T>C (NM_001308294.2).
Identifiers: ClinVar variation 4979429 (VCV004979429.1).